The following is an entry in ClinVar:

NM_000350.3(ABCA4):c.667A>C (p.Lys223Gln)

Gene: ABCA4 (ATP binding cassette subfamily A member 4; minus strand). Cytogenetic location: 1p22.1.
Variant type: single nucleotide variant.
Coding change: c.667A>C on transcript NM_000350.3 (MANE Select); coding-DNA position 667, A replaced by C.
Protein change: p.Lys223Gln; replaces lysine 223 with glutamine.
Molecular consequence: missense variant.
Genome position (GRCh38, 1-based): chr1:94,098,895, T>G on the plus strand (A>C on the coding strand, the complement: ABCA4 is on the minus strand). VCF-style: chr1-94098895-T-G. GRCh37 (hg19) VCF-style: chr1-94564451-T-G.
Other names: c.667A>C, p.Lys223Gln (NM_001425324.1); short protein forms K223Q.
Identifiers: ClinVar variation 845426 (VCV000845426.13), dbSNP rs147619585, ClinGen allele CA958774.

ClinVar aggregate classification (germline): Conflicting classifications of pathogenicity. Review status: criteria provided, conflicting classifications (1 of 4 stars). 3 submissions from 3 submitters: Uncertain significance (1); Likely benign (2). Last evaluated 2025-10-31.

Allele frequency attached by ClinVar (database versions not stated): gnomAD exomes 0.00011 and 0.00015; ExAC 0.00019; gnomAD 0.00023 and 0.00029; TOPMed 0.00027; ESP Exome Variant Server 0.00038; 1000 Genomes Project 30x 0.00062; 1000 Genomes Project 0.00080.
gnomAD v4.1: 252 of 1,613,988 alleles (0.016%); highest among the groups gnomAD compares: Middle Eastern, 0.16%; 2 homozygotes.

Submissions (3):

Labcorp Genetics (formerly Invitae), Labcorp
Classification: Likely benign. Last evaluated: 2025-10-31. Review status: criteria provided, single submitter. Criteria: Invitae Variant Classification Sherloc (09022015). Collection method: clinical testing. Allele origin: germline.

Blueprint Genetics
Classification: Likely benign. Last evaluated: 2024-10-03. Review status: criteria provided, single submitter. Criteria: ACMG Guidelines, 2015. Collection method: clinical testing. Allele origin: germline.

GeneDx
Classification: Uncertain significance. Last evaluated: 2024-07-29. Review status: criteria provided, single submitter. Criteria: GeneDx Variant Classification Process June 2021. Collection method: clinical testing. Allele origin: germline. Affected: yes.
Comment: Reported multiple times as one of three total ABCA4 variants, frequently including the p.(G1203R) variant, in patients with Stargardt disease in published literature, but it is not known what combination of the variants occurred on the same (in cis) or on different (in trans) chromosomes in most cases (PMID: 15192030, 23341817, 29178665, 35260635, 36460718, 37734845); In silico analysis indicates that this missense variant does not alter protein structure/function; This variant is associated with the following publications: (PMID: 23341817, 15192030, 28488341, 22995991, 22328824, 21296825, 29178665, 35260635, 35156991, 36460718, 37734845)